The following is an entry in ClinVar:

NM_005245.4(FAT1):c.12333C>T (p.Ala4111=)

Gene: FAT1 (FAT atypical cadherin 1; minus strand). Cytogenetic location: 4q35.2.
Variant type: single nucleotide variant.
Coding change: c.12333C>T on transcript NM_005245.4 (MANE Select); coding-DNA position 12333, C replaced by T.
Protein change: p.Ala4111=; no amino-acid change (alanine 4111 retained).
Molecular consequence: synonymous variant.
Genome position (GRCh38, 1-based): chr4:186,597,717, G>A on the plus strand (C>T on the coding strand, the complement: FAT1 is on the minus strand). VCF-style: chr4-186597717-G-A. GRCh37 (hg19) VCF-style: chr4-187518871-G-A.
Other names: p.Ala4111=.
Identifiers: ClinVar variation 1245344 (VCV001245344.13), dbSNP rs2306989, ClinGen allele CA3164856.

ClinVar aggregate classification (germline): Benign/Likely benign. Review status: criteria provided, multiple submitters, no conflicts (2 of 4 stars). 5 submissions from 5 submitters: Benign (4); Likely benign (1). Last evaluated 2026-01-29.

Allele frequency attached by ClinVar (database versions not stated): gnomAD exomes 0.00796 and 0.01264; ExAC 0.01340; ESP Exome Variant Server 0.02464; gnomAD 0.02589 and 0.02675; 1000 Genomes Project 0.02696; TOPMed 0.02804; 1000 Genomes Project 30x 0.02811.
gnomAD v4.1: 15,707 of 1,613,650 alleles (0.97%); highest among the groups gnomAD compares: African/African-American, 7.4%; 335 homozygotes.

Submissions (5):

Labcorp Genetics (formerly Invitae), Labcorp
Classification: Benign. Last evaluated: 2026-01-29. Review status: criteria provided, single submitter. Criteria: Invitae Variant Classification Sherloc (09022015). Collection method: clinical testing. Allele origin: germline.

Blueprint Genetics
Classification: Likely benign. Last evaluated: 2024-11-25. Review status: criteria provided, single submitter. Criteria: ACMG Guidelines, 2015. Collection method: clinical testing. Allele origin: germline.

Mayo Clinic Laboratories, Mayo Clinic
Classification: Benign. Last evaluated: 2024-04-26. Review status: criteria provided, single submitter. Criteria: ACMG Guidelines, 2015. Collection method: clinical testing. Allele origin: germline. Observed: 9 variant alleles.
Comment: BA1, BS2, BP4, BP7

GeneDx
Classification: Benign. Last evaluated: 2020-03-25. Review status: criteria provided, single submitter. Criteria: GeneDx Variant Classification Process June 2021. Collection method: clinical testing. Allele origin: germline. Affected: yes.

Breakthrough Genomics
Classification: Benign. Review status: criteria provided, single submitter. Criteria: ACMG Guidelines, 2015. Collection method: not provided. Allele origin: germline. Inheritance: Unknown mechanism. Affected: yes.

Literature cited by the submitters: PubMed 31308072 (cited by Mayo Clinic Laboratories, Mayo Clinic).